The following is an entry in ClinVar:

ClinVar aggregate classification (germline): Uncertain significance (1 of 4 stars; one submission).

Conditions:
Primary ciliary dyskinesia. Also called: Ciliary dyskinesia. Identifiers: Orphanet 244, MedGen C0008780, MONDO:0016575, HP:0012265.

Allele frequency attached by ClinVar (database versions not stated): TOPMed 0.00001.
gnomAD v4.1: 1 of 1,613,744 alleles (0.000062%); no homozygotes.

Submission:

Labcorp Genetics (formerly Invitae), Labcorp
Classification: Uncertain significance for Primary ciliary dyskinesia. Last evaluated: 2018-10-24. Review status: criteria provided, single submitter. Criteria: Invitae Variant Classification Sherloc (09022015). Collection method: clinical testing. Allele origin: germline.
Comment: This sequence change replaces alanine with glutamic acid at codon 2217 of the DNAH5 protein (p.Ala2217Glu). The alanine residue is moderately conserved and there is a moderate physicochemical difference between alanine and glutamic acid. This variant is not present in population databases (ExAC no frequency). This variant has not been reported in the literature in individuals with DNAH5-related disease. Algorithms developed to predict the effect of missense changes on protein structure and function output the following: SIFT: "Tolerated"; PolyPhen-2: "Possibly Damaging"; Align-GVGD: "Class C0". The glutamic acid amino acid residue is found in multiple mammalian species, suggesting that this missense change does not adversely affect protein function. These predictions have not been confirmed by published functional studies and their clinical significance is uncertain. In summary, the available evidence is currently insufficient to determine the role of this variant in disease. Therefore, it has been classified as a Variant of Uncertain Significance.

NM_001369.3(DNAH5):c.6650C>A (p.Ala2217Glu)

Gene: DNAH5 (dynein axonemal heavy chain 5; minus strand). Cytogenetic location: 5p15.2.
Variant type: single nucleotide variant.
Coding change: c.6650C>A on transcript NM_001369.3 (MANE Select); coding-DNA position 6650, C replaced by A.
Protein change: p.Ala2217Glu; replaces alanine 2217 with glutamic acid.
Molecular consequence: missense variant.
Genome position (GRCh38, 1-based): chr5:13,823,300, G>T on the plus strand (C>A on the coding strand, the complement: DNAH5 is on the minus strand). VCF-style: chr5-13823300-G-T. GRCh37 (hg19) VCF-style: chr5-13823409-G-T.
Other names: short protein forms A2217E.
Identifiers: ClinVar variation 660270 (VCV000660270.1), dbSNP rs748338986, ClinGen allele CA359195698.
Genomic context (GRCh38, chr5:13,823,300, plus strand): 5'-CGTTGCCCTGTGAAGCATATTACCTGTCTACTAATTGCTGCTTCCAGTTCAGGGTAACCT[G>T]CCTTGTCCAGAAGAATATTTGGAAAGAGATCTTCAATCAAACTCAAAAACAAGGGTTCAT-3'
Protein context (NP_001360.1, residues 2207-2227): DLFPNILLDK[Ala2217Glu]GYPELEAAIS